The following is an entry in ClinVar:

ClinVar aggregate classification (germline): Benign. Review status: criteria provided, multiple submitters, no conflicts (2 of 4 stars). 2 submissions from 2 submitters: Benign (2). Last evaluated 2018-06-14.

Allele frequency attached by ClinVar (database versions not stated): TOPMed 0.67866; gnomAD 0.68032 and 0.68155; 1000 Genomes Project 30x 0.70924; 1000 Genomes Project 0.71186.
gnomAD v4.1: 103,582 of 152,068 alleles (68%); highest among the groups gnomAD compares: East Asian, 73%; 35,238 homozygotes.

Submissions (2):

GeneDx
Classification: Benign. Last evaluated: 2018-06-14. Review status: criteria provided, single submitter. Criteria: GeneDx Variant Classification (06012015). Collection method: clinical testing. Allele origin: germline. Affected: yes.
Comment: This variant is considered likely benign or benign based on one or more of the following criteria: it is a conservative change, it occurs at a poorly conserved position in the protein, it is predicted to be benign by multiple in silico algorithms, and/or has population frequency not consistent with disease.

Breakthrough Genomics
Classification: Benign. Review status: criteria provided, single submitter. Criteria: ACMG Guidelines, 2015. Collection method: not provided. Allele origin: germline. Inheritance: Autosomal recessive inheritance. Affected: yes.

NM_014297.5(ETHE1):c.506-244C>T

Gene: ETHE1 (ETHE1 persulfide dioxygenase; minus strand). Cytogenetic location: 19q13.31.
Variant type: single nucleotide variant.
Coding change: c.506-244C>T on transcript NM_014297.5 (MANE Select); 244 bases into the intron before coding-DNA position 506, C replaced by T.
Molecular consequence: intron variant.
Genome position (GRCh38, 1-based): chr19:43,509,108, G>A on the plus strand (C>T on the coding strand, the complement: ETHE1 is on the minus strand). VCF-style: chr19-43509108-G-A. GRCh37 (hg19) VCF-style: chr19-44013260-G-A.
Other names: c.212-244C>T (NM_001320869.2); c.137-244C>T (NM_001320868.2); c.473-244C>T (NM_001320867.2).
Identifiers: ClinVar variation 683858 (VCV000683858.2), dbSNP rs2305375, ClinGen allele CA15952412.